The following is an entry in ClinVar:

NM_001128148.3(TFRC):c.312C>T (p.Thr104=)

Gene: TFRC (transferrin receptor; minus strand). Cytogenetic location: 3q29.
Variant type: single nucleotide variant.
Coding change: c.312C>T on transcript NM_001128148.3 (MANE Select); coding-DNA position 312, C replaced by T.
Protein change: p.Thr104=; no amino-acid change (threonine 104 retained).
Molecular consequence: synonymous variant. On other transcripts: intron variant (1).
Genome position (GRCh38, 1-based): chr3:196,074,052, G>A on the plus strand (C>T on the coding strand, the complement: TFRC is on the minus strand). VCF-style: chr3-196074052-G-A. GRCh37 (hg19) VCF-style: chr3-195800923-G-A.
Other names: c.69C>T, p.Thr23= (NM_001313965.2); c.312C>T, p.Thr104= (NM_003234.4); c.-412-1900C>T (NM_001313966.2).
Identifiers: ClinVar variation 717697 (VCV000717697.44), dbSNP rs41301359, ClinGen allele CA2778333.

ClinVar aggregate classification (germline): Benign/Likely benign. Review status: criteria provided, multiple submitters, no conflicts (2 of 4 stars). 4 submissions from 4 submitters: Benign (2); Likely benign (2). Last evaluated 2026-08-01.

Allele frequency attached by ClinVar (database versions not stated): 1000 Genomes Project 0.00359; 1000 Genomes Project 30x 0.00406; TOPMed 0.00519; gnomAD 0.00525 and 0.00542; ESP Exome Variant Server 0.00584; ExAC 0.00624; gnomAD exomes 0.00629 and 0.00771.
gnomAD v4.1: 12,177 of 1,614,038 alleles (0.75%); highest among the groups gnomAD compares: Middle Eastern, 1.6%; 43 homozygotes.

Submissions (4):

CeGaT Center for Human Genetics Tuebingen
Classification: Likely benign. Last evaluated: 2026-08-01. Review status: criteria provided, single submitter. Criteria: CeGaT Center For Human Genetics Tuebingen Variant Classification Criteria Version 2. Collection method: clinical testing. Allele origin: germline. Affected: yes. Observed: 29 variant alleles.
Comment: TFRC: BP4, BP7, BS2

Women's Health and Genetics/Laboratory Corporation of America, LabCorp
Classification: Benign. Last evaluated: 2026-04-06. Review status: criteria provided, single submitter. Criteria: LabCorp Variant Classification Summary - May 2015. Collection method: clinical testing. Allele origin: germline.

Labcorp Genetics (formerly Invitae), Labcorp
Classification: Benign. Last evaluated: 2026-02-01. Review status: criteria provided, single submitter. Criteria: Invitae Variant Classification Sherloc (09022015). Collection method: clinical testing. Allele origin: germline.

Breakthrough Genomics
Classification: Likely benign. Review status: criteria provided, single submitter. Criteria: ACMG Guidelines, 2015. Collection method: not provided. Allele origin: germline. Inheritance: Autosomal recessive inheritance. Affected: yes.